The following is an entry in ClinVar:

NM_000368.5(TSC1):c.186C>G (p.Thr62=)

Gene: TSC1 (TSC complex subunit 1; minus strand). Cytogenetic location: 9q34.13.
Variant type: single nucleotide variant.
Coding change: c.186C>G on transcript NM_000368.5 (MANE Select); coding-DNA position 186, C replaced by G.
Protein change: p.Thr62=; no amino-acid change (threonine 62 retained).
Molecular consequence: synonymous variant. On other transcripts: intron variant (1).
Genome position (GRCh38, 1-based): chr9:132,927,225, G>C on the plus strand (C>G on the coding strand, the complement: TSC1 is on the minus strand). VCF-style: chr9-132927225-G-C. GRCh37 (hg19) VCF-style: chr9-135802612-G-C.
Other names: c.186C>G, p.Thr62= (NM_001162426.2, NM_001162427.2); c.-153-1486C>G (NM_001362177.2).
Identifiers: ClinVar variation 511422 (VCV000511422.17), dbSNP rs1554820640, ClinGen allele CA467594260.

ClinVar aggregate classification (germline): Benign/Likely benign. Review status: criteria provided, multiple submitters, no conflicts (2 of 4 stars). 6 submissions from 6 submitters: Benign (1); Likely benign (5). Last evaluated 2025-04-19.

Conditions:
Hereditary cancer-predisposing syndrome. Also called: Hereditary Cancer Syndrome; Tumor predisposition; Neoplastic Syndromes, Hereditary; Hereditary neoplastic syndrome. Identifiers: Orphanet 140162, MedGen C0027672, MeSH D009386, MONDO:0015356.
Tuberous sclerosis 1 (TSC1). Identifiers: Orphanet 805, MedGen C1854465, MONDO:0008612, OMIM 191100.

gnomAD v4.1: 1 of 1,613,840 alleles (0.000062%); highest among the groups gnomAD compares: African/African-American, 0.0013%; no homozygotes.

Submissions (6):

Ambry Genetics
Classification: Likely benign for Hereditary cancer-predisposing syndrome. Last evaluated: 2025-04-19. Review status: criteria provided, single submitter. Criteria: Ambry Variant Classification Scheme 2023. Collection method: clinical testing. Allele origin: germline.

Labcorp Genetics (formerly Invitae), Labcorp
Classification: Likely benign for Tuberous sclerosis 1. Last evaluated: 2025-04-13. Review status: criteria provided, single submitter. Criteria: Invitae Variant Classification Sherloc (09022015). Collection method: clinical testing. Allele origin: germline.

Myriad Genetics, Inc.
Classification: Benign for Tuberous sclerosis 1. Last evaluated: 2025-04-07. Review status: criteria provided, single submitter. Criteria: Myriad Autosomal Dominant, Autosomal Recessive and X-Linked Classification Criteria (2023). Collection method: clinical testing. Allele origin: unknown.
Comment: This variant is considered benign. This variant is a silent/synonymous amino acid change and it is not expected to impact splicing.

Sema4
Classification: Likely benign for Hereditary cancer-predisposing syndrome. Last evaluated: 2021-12-17. Review status: criteria provided, single submitter. Criteria: Sema4 Curation Guidelines. Collection method: curation. Allele origin: germline.

Genome-Nilou Lab
Classification: Likely benign for Tuberous sclerosis 1. Last evaluated: 2021-11-07. Review status: criteria provided, single submitter. Criteria: ACMG Guidelines, 2015. Collection method: clinical testing. Allele origin: germline. Affected: no.

GeneDx
Classification: Likely benign. Last evaluated: 2017-08-16. Review status: criteria provided, single submitter. Criteria: GeneDx Variant Classification (06012015). Collection method: clinical testing. Allele origin: germline. Affected: yes.
Comment: This variant is considered likely benign or benign based on one or more of the following criteria: it is a conservative change, it occurs at a poorly conserved position in the protein, it is predicted to be benign by multiple in silico algorithms, and/or has population frequency not consistent with disease.